The following is an entry in ClinVar:

NM_000090.4(COL3A1):c.203A>C (p.Asp68Ala)

Gene: COL3A1 (collagen type III alpha 1 chain; plus strand). Cytogenetic location: 2q32.2.
Variant type: single nucleotide variant.
Coding change: c.203A>C on transcript NM_000090.4 (MANE Select); coding-DNA position 203, A replaced by C.
Protein change: p.Asp68Ala; replaces aspartic acid 68 with alanine.
Molecular consequence: missense variant.
Genome position (GRCh38, 1-based): chr2:188,984,883, A>C. VCF-style: chr2-188984883-A-C. GRCh37 (hg19) VCF-style: chr2-189849609-A-C.
Other names: short protein forms D68A.
Identifiers: ClinVar variation 4800313 (VCV004800313.1).

ClinVar aggregate classification (germline): Uncertain significance (1 of 4 stars; one submission).

Conditions:
Ehlers-Danlos syndrome, type 4 (EDSVASC). Also called: Ehlers-Danlos syndrome vascular type; Ehlers Danlos syndrome, ecchymotic type; Ehlers Danlos syndrome, arterial type; Ehlers Danlos syndrome, Sack-Barabas type; Ehlers-Danlos Syndrome Type IV. Identifiers: Orphanet 286, MedGen C0268338, MONDO:0017314, OMIM 130050.

Submission:

Labcorp Genetics (formerly Invitae), Labcorp
Classification: Uncertain significance for Ehlers-Danlos syndrome, type 4. Last evaluated: 2025-05-19. Review status: criteria provided, single submitter. Criteria: Invitae Variant Classification Sherloc (09022015). Collection method: clinical testing. Allele origin: germline.
Comment: This sequence change replaces aspartic acid, which is acidic and polar, with alanine, which is neutral and non-polar, at codon 68 of the COL3A1 protein (p.Asp68Ala). This variant is not present in population databases (gnomAD no frequency). This variant has not been reported in the literature in individuals affected with COL3A1-related conditions. Invitae Evidence Modeling of protein sequence and biophysical properties (such as structural, functional, and spatial information, amino acid conservation, physicochemical variation, residue mobility, and thermodynamic stability) indicates that this missense variant is not expected to disrupt COL3A1 protein function with a negative predictive value of 95%. In summary, the available evidence is currently insufficient to determine the role of this variant in disease. Therefore, it has been classified as a Variant of Uncertain Significance.